The following is an entry in ClinVar:

ClinVar aggregate classification (germline): Conflicting classifications of pathogenicity. Review status: criteria provided, conflicting classifications (1 of 4 stars). 4 submissions from 4 submitters: Uncertain significance (3); Likely benign (1). Last evaluated 2026-07-20.

Conditions:
Congenital myotonia, autosomal dominant form (THD). Also called: THOMSEN DISEASE; Myotonia congenita autosomal dominant. Identifiers: Orphanet 614, MedGen C2936781, MONDO:0008055, OMIM 160800.
Congenital myotonia, autosomal recessive form. Also called: BECKER DISEASE; Becker Generalized Myotonia; myotonia congenita, autosomal recessive. Identifiers: Orphanet 614, MedGen C0751360, MONDO:0009715, OMIM 255700.
Batten-Turner congenital myopathy. Also called: Congenital myotonia; Myotonia congenita. Identifiers: Orphanet 206973, MedGen C0027127, MONDO:0100468, OMIM 255300.

Allele frequency attached by ClinVar (database versions not stated): TOPMed 0.00005; ExAC 0.00003; gnomAD 0.00001; gnomAD exomes 0.00003.
gnomAD v4.1: 56 of 1,613,880 alleles (0.0035%); highest among the groups gnomAD compares: Admixed American, 0.0067%; no homozygotes.

Submissions (4):

GeneDx
Classification: Uncertain significance. Last evaluated: 2026-07-20. Review status: criteria provided, single submitter. Criteria: GeneDx Variant Classification Process June 2021. Collection method: clinical testing. Allele origin: germline.
Comment: Identified in patients with myotonia congenita in published literature, but familial segregation information and additional clinical information were not included (PMID: 34529042); Published functional studies suggest this variant has wild-type like activity, however additional studies are needed to validate the functional effect of this variant in vivo (PMID: 34529042); In silico analysis supports that this missense variant has a deleterious effect on protein structure/function; Not observed at significant frequency in large population cohorts (gnomAD); This variant is associated with the following publications: (PMID: 34529042)

Labcorp Genetics (formerly Invitae), Labcorp
Classification: Uncertain significance for Congenital myotonia, autosomal recessive form; Congenital myotonia, autosomal dominant form. Last evaluated: 2024-11-27. Review status: criteria provided, single submitter. Criteria: Invitae Variant Classification Sherloc (09022015). Collection method: clinical testing. Allele origin: germline.
Comment: This sequence change replaces arginine, which is basic and polar, with histidine, which is basic and polar, at codon 611 of the CLCN1 protein (p.Arg611His). This variant is present in population databases (rs763850295, gnomAD 0.008%). This missense change has been observed in individual(s) with myotonia congenita (PMID: 34529042). ClinVar contains an entry for this variant (Variation ID: 910973). Invitae Evidence Modeling of protein sequence and biophysical properties (such as structural, functional, and spatial information, amino acid conservation, physicochemical variation, residue mobility, and thermodynamic stability) has been performed for this missense variant. However, the output from this modeling did not meet the statistical confidence thresholds required to predict the impact of this variant on CLCN1 protein function. Experimental studies have shown that this missense change does not substantially affect CLCN1 function (PMID: 34529042). In summary, the available evidence is currently insufficient to determine the role of this variant in disease. Therefore, it has been classified as a Variant of Uncertain Significance.

Women's Health and Genetics/Laboratory Corporation of America, LabCorp
Classification: Uncertain significance. Last evaluated: 2023-07-27. Review status: criteria provided, single submitter. Criteria: LabCorp Variant Classification Summary - May 2015. Collection method: clinical testing. Allele origin: germline.
Comment: Variant summary: CLCN1 c.1832G>A (p.Arg611His) results in a non-conservative amino acid change in the encoded protein sequence. Five of five in-silico tools predict a damaging effect of the variant on protein function. The variant allele was found at a frequency of 2.8e-05 in 251470 control chromosomes (i.e., 7 heterozygotes; gnomAD v2.1 Exomes dataset). The available data on variant occurrences in the general population are insufficient to allow any conclusion about variant significance. c.1832G>A has been reported in the literature in at least two heterozygous individuals affected with Myotonia congenita, however without strong evidence for causality (e.g., Suetterlin_2022). This report therefore does not provide unequivocal conclusions about association of the variant with Myotonia congenita. At least one publication reports experimental evidence evaluating an impact on protein function, finding that the variant does not affect the voltage dependence of activation in a manner in agreement with the variant being pathogenic, and behaves more similarly to the wild type in vitro (e.g., Suetterlin_2022). However, these findings do not allow convincing conclusions about the variant effect. The following publication was ascertained in the context of this evaluation (PMID: 34529042). Two submitters have reported clinical-significance assessments for this variant to ClinVar after 2014. One submitter classified the variant as likely benign, and one submitter classified the variant as uncertain significance. Based on the evidence outlined above, the variant was classified as uncertain significance.

Illumina Laboratory Services, Illumina
Classification: Likely benign for Myotonia congenita. Last evaluated: 2018-01-12. Review status: criteria provided, single submitter. Criteria: ICSL Variant Classification Criteria 13 December 2019. Collection method: clinical testing. Allele origin: germline.
Comment: This variant was observed in the ICSL laboratory as part of a predisposition screen in an ostensibly healthy population. It had not been previously curated by ICSL or reported in the Human Gene Mutation Database (HGMD: prior to June 1st, 2018), and was therefore a candidate for classification through an automated scoring system. Utilizing variant allele frequency, disease prevalence and penetrance estimates, and inheritance mode, an automated score was calculated to assess if this variant is too frequent to cause the disease. Based on the score and internal cut-off values, a variant classified as likely benign is not then subjected to further curation. The score for this variant resulted in a classification of likely benign for this disease.

Literature cited by the submitters: PubMed 34529042 (cited by Labcorp Genetics (formerly Invitae), Labcorp and Women's Health and Genetics/Laboratory Corporation of America, LabCorp).

NM_000083.3(CLCN1):c.1832G>A (p.Arg611His)

Gene: CLCN1 (chloride voltage-gated channel 1; plus strand). Cytogenetic location: 7q34.
Variant type: single nucleotide variant.
Coding change: c.1832G>A on transcript NM_000083.3 (MANE Select); coding-DNA position 1832, G replaced by A.
Protein change: p.Arg611His; replaces arginine 611 with histidine.
Molecular consequence: missense variant. On other transcripts: non-coding transcript variant (1).
Genome position (GRCh38, 1-based): chr7:143,342,407, G>A. VCF-style: chr7-143342407-G-A. GRCh37 (hg19) VCF-style: chr7-143039500-G-A.
Other names: short protein forms R611H.
Identifiers: ClinVar variation 910973 (VCV000910973.11), dbSNP rs763850295, ClinGen allele CA4537497.